The following is an entry in ClinVar:

NM_001103.4(ACTN2):c.644C>T (p.Ala215Val)

Gene: ACTN2 (actinin alpha 2; plus strand). Cytogenetic location: 1q43.
Variant type: single nucleotide variant.
Coding change: c.644C>T on transcript NM_001103.4 (MANE Select); coding-DNA position 644, C replaced by T.
Protein change: p.Ala215Val; replaces alanine 215 with valine.
Molecular consequence: missense variant. On other transcripts: 5 prime UTR variant (1).
Genome position (GRCh38, 1-based): chr1:236,731,261, C>T. VCF-style: chr1-236731261-C-T. GRCh37 (hg19) VCF-style: chr1-236894561-C-T.
Other names: c.644C>T, p.Ala215Val (NM_001278343.2); c.-178C>T (NM_001278344.2); c.644C>T (NM_001103.2); short protein forms A215V.
Identifiers: ClinVar variation 1677865 (VCV001677865.2), dbSNP rs1658705084, ClinGen allele CA345375822.
Genomic context (GRCh38, chr1:236,731,261, plus strand): 5'-TTAAAAATCTGACTGTCTTGGTTTTCATACAGGATGACCCCATAGGAAATATTAACCTGG[C>T]CATGGAAATCGCTGAGAAGCACCTGGATATTCCTAAAATGTTGGATGCTGAAGGTGAGAT-3'
Protein context (NP_001094.1, residues 205-225): KDDPIGNINL[Ala215Val]MEIAEKHLDI

ClinVar aggregate classification (germline): Uncertain significance. Review status: criteria provided, multiple submitters, no conflicts (2 of 4 stars). 2 submissions from 2 submitters: Uncertain significance (2). Last evaluated 2023-12-16.

Conditions:
Cardiovascular phenotype. Identifiers: MedGen CN230736.

Allele frequency attached by ClinVar (database versions not stated): TOPMed below 0.00001.

Submissions (2):

Ambry Genetics
Classification: Uncertain significance for Cardiovascular phenotype. Last evaluated: 2023-12-16. Review status: criteria provided, single submitter. Criteria: Ambry Variant Classification Scheme 2023. Collection method: clinical testing. Allele origin: germline.
Comment: The p.A215V variant (also known as c.644C>T), located in coding exon 7 of the ACTN2 gene, results from a C to T substitution at nucleotide position 644. The alanine at codon 215 is replaced by valine, an amino acid with similar properties. This amino acid position is conserved. In addition, this alteration is predicted to be deleterious by in silico analysis. Since supporting evidence is limited at this time, the clinical significance of this alteration remains unclear.

AiLife Diagnostics
Classification: Uncertain significance. Last evaluated: 2022-01-28. Review status: criteria provided, single submitter. Criteria: ACMG Guidelines, 2015. Collection method: clinical testing. Allele origin: germline. Affected: yes. Observed: 1 variant allele.